The following is an entry in ClinVar:

ClinVar aggregate classification (germline): Uncertain significance. Review status: criteria provided, multiple submitters, no conflicts (2 of 4 stars). 2 submissions from 2 submitters: Uncertain significance (2). Last evaluated 2025-09-04.

Allele frequency attached by ClinVar (database versions not stated): gnomAD 0.00003; ExAC 0.00010; gnomAD exomes 0.00014.
gnomAD v4.1: 74 of 1,528,360 alleles (0.0048%); highest among the groups gnomAD compares: Admixed American, 0.053%; no homozygotes.

Submissions (2):

Labcorp Genetics (formerly Invitae), Labcorp
Classification: Uncertain significance. Last evaluated: 2025-09-04. Review status: criteria provided, single submitter. Criteria: Invitae Variant Classification Sherloc (09022015). Collection method: clinical testing. Allele origin: germline.
Comment: This sequence change replaces arginine, which is basic and polar, with cysteine, which is neutral and slightly polar, at codon 51 of the DGKZ protein (p.Arg51Cys). This variant is present in population databases (no rsID available, gnomAD 0.07%), and has an allele count higher than expected for a pathogenic variant. This variant has not been reported in the literature in individuals affected with DGKZ-related conditions. ClinVar contains an entry for this variant (Variation ID: 1420677). An algorithm developed to predict the effect of missense changes on protein structure and function (PolyPhen-2) suggests that this variant is likely to be disruptive. In summary, the available evidence is currently insufficient to determine the role of this variant in disease. Therefore, it has been classified as a Variant of Uncertain Significance.

Ambry Genetics
Classification: Uncertain significance. Last evaluated: 2025-01-22. Review status: criteria provided, single submitter. Criteria: Ambry Variant Classification Scheme 2023. Collection method: clinical testing. Allele origin: germline.

NM_001199267.2(DGKZ):c.162-884C>T

Gene: DGKZ (diacylglycerol kinase zeta; plus strand). Cytogenetic location: 11p11.2.
Variant type: single nucleotide variant.
Coding change: c.162-884C>T on transcript NM_001199267.2 (MANE Select); 884 bases into the intron before coding-DNA position 162, C replaced by T.
Molecular consequence: intron variant. On other transcripts: missense variant (1).
Genome position (GRCh38, 1-based): chr11:46,366,407, C>T. VCF-style: chr11-46366407-C-T. GRCh37 (hg19) VCF-style: chr11-46387957-C-T.
Other names: c.151C>T (NM_001105540.1); c.151C>T, p.Arg51Cys (NM_001105540.2); c.213-884C>T (NM_201532.3); c.177-884C>T (NM_201533.3); c.162-884C>T (NM_001199266.2, NM_003646.4, NM_001199268.2); short protein forms R51C.
Identifiers: ClinVar variation 1420677 (VCV001420677.8), dbSNP rs1010796782, ClinGen allele CA5962090.